The following is an entry in ClinVar:

ClinVar aggregate classification (germline): Pathogenic (1 of 4 stars; one submission).

Conditions:
DNA ligase IV deficiency. Identifiers: Orphanet 99812, MedGen C1847827, MONDO:0011686, OMIM 606593.

Submission:

Labcorp Genetics (formerly Invitae), Labcorp
Classification: Pathogenic for DNA ligase IV deficiency. Last evaluated: 2019-01-26. Review status: criteria provided, single submitter. Criteria: Invitae Variant Classification Sherloc (09022015). Collection method: clinical testing. Allele origin: germline.
Comment: For these reasons, this variant has been classified as Pathogenic. This variant disrupts the C-terminus of the LIG4 protein. Other variant(s) that disrupt this region (p.Arg814*) have been determined to be pathogenic (PMID: 11779494, 27063650, 15333585, 23337116, 24123394). This suggests that variants that disrupt this region of the protein are likely to be causative of disease. This variant has not been reported in the literature in individuals with LIG4-related conditions. This variant is not present in population databases (ExAC no frequency). This sequence change results in a premature translational stop signal in the LIG4 gene (p.Thr769Asnfs*14). While this is not anticipated to result in nonsense mediated decay, it is expected to disrupt the last 143 amino acids of the LIG4 protein.

Literature cited by the submitters: PubMed 11779494; PubMed 27063650; PubMed 15333585; PubMed 23337116; PubMed 24123394.

NM_206937.2(LIG4):c.2305dup (p.Thr769fs)

Gene: LIG4 (DNA ligase 4; minus strand). Cytogenetic location: 13q33.3.
Variant type: Duplication.
Coding change: c.2305dup on transcript NM_206937.2 (MANE Select); coding-DNA position 2305, one base duplicated (A; older notation c.2305dupA).
Protein change: p.Thr769fs; shifts the reading frame from threonine 769.
Molecular consequence: frameshift variant.
Genome position (GRCh38, 1-based): chr13:108,208,964, T duplicated on the plus strand (A on the coding strand, the reverse complement: LIG4 is on the minus strand). VCF-style (leftmost placement, unchanged base first): chr13-108208963-G-GT. GRCh37 (hg19) VCF-style: chr13-108861311-G-GT.
Other names: c.2305dup, p.Thr769fs (NM_001098268.2, NM_001352598.2, NM_001352599.2 and 6 more transcripts); c.2104dup, p.Thr702fs (NM_001330595.2); c.2341dup, p.Thr781fs (NM_001352604.2); short protein forms T702fs, T769fs, T781fs.
Identifiers: ClinVar variation 841699 (VCV000841699.9), dbSNP rs1878251067, ClinGen allele CA916082384.